The following is an entry in ClinVar:

NM_005359.6(SMAD4):c.688G>C (p.Gly230Arg)

Gene: SMAD4 (SMAD family member 4; plus strand). Cytogenetic location: 18q21.2.
Variant type: single nucleotide variant.
Coding change: c.688G>C on transcript NM_005359.6 (MANE Select); coding-DNA position 688, G replaced by C.
Protein change: p.Gly230Arg; replaces glycine 230 with arginine.
Molecular consequence: missense variant.
Genome position (GRCh38, 1-based): chr18:51,058,145, G>C. VCF-style: chr18-51058145-G-C. GRCh37 (hg19) VCF-style: chr18-48584515-G-C.
Other names: short protein forms G230R.
Identifiers: ClinVar variation 575340 (VCV000575340.11), dbSNP rs1568206043, ClinGen allele CA402462662.

ClinVar aggregate classification (germline): Uncertain significance. Review status: criteria provided, multiple submitters, no conflicts (2 of 4 stars). 2 submissions from 2 submitters: Uncertain significance (2). Last evaluated 2021-11-08.

Conditions:
Juvenile polyposis syndrome (JPS). Identifiers: Orphanet 2929, MedGen C0345893, MONDO:0017380, OMIM 174900.
Myhre syndrome (MYHRS). Also called: LARYNGOTRACHEAL STENOSIS, ARTHROPATHY, PROGNATHISM, AND SHORT STATURE; LAPS SYNDROME. Identifiers: Orphanet 2588, MedGen C0796081, MONDO:0007688, OMIM 139210.
Juvenile polyposis/hereditary hemorrhagic telangiectasia syndrome (JPHT). Also called: Juvenile Polyposis Syndrome / Hereditary Hemorrhagic Telangiectasia (JPS/HHT); JP/HHT SYNDROME; JUVENILE POLYPOSIS WITH HEREDITARY HEMORRHAGIC TELANGIECTASIA; POLYPOSIS, GENERALIZED JUVENILE, WITH PULMONARY ARTERIOVENOUS MALFORMATION; TELANGIECTASIA, HEREDITARY HEMORRHAGIC, WITH JUVENILE POLYPOSIS COLI. Identifiers: Orphanet 2929, MedGen C1832942, MONDO:0008278, OMIM 175050.
Carcinoma of pancreas. Also called: Exocrine pancreatic carcinoma; PANCREATIC ACINAR CARCINOMA; PANCREATIC CARCINOMA; Pancreatic cancer, somatic; Pancreatic carcinoma, somatic. Identifiers: Orphanet 1333, Orphanet 217074, MedGen C0235974, MONDO:0005192. Disease mechanism: loss of function.

gnomAD v4.1: 1 of 1,614,084 alleles (0.000062%); highest among the groups gnomAD compares: Non-Finnish European, 0.000085%; no homozygotes.

Submissions (2):

Fulgent Genetics
Classification: Uncertain significance for Myhre syndrome; Juvenile polyposis syndrome; Juvenile polyposis/hereditary hemorrhagic telangiectasia syndrome; Familial pancreatic carcinoma. Last evaluated: 2021-11-08. Review status: criteria provided, single submitter. Criteria: ACMG Guidelines, 2015. Collection method: clinical testing. Allele origin: unknown.

Labcorp Genetics (formerly Invitae), Labcorp
Classification: Uncertain significance for Juvenile polyposis syndrome. Last evaluated: 2018-02-14. Review status: criteria provided, single submitter. Criteria: Invitae Variant Classification Sherloc (09022015). Collection method: clinical testing. Allele origin: germline.
Comment: This sequence change replaces glycine with arginine at codon 230 of the SMAD4 protein (p.Gly230Arg). The glycine residue is weakly conserved and there is a moderate physicochemical difference between glycine and arginine. This variant is not present in population databases (ExAC no frequency). This variant has not been reported in the literature in individuals with SMAD4-related disease. Algorithms developed to predict the effect of missense changes on protein structure and function (SIFT, PolyPhen-2, Align-GVGD) all suggest that this variant is likely to be tolerated, but these predictions have not been confirmed by published functional studies and their clinical significance is uncertain. In summary, the available evidence is currently insufficient to determine the role of this variant in disease. Therefore, it has been classified as a Variant of Uncertain Significance.